The following is an entry in ClinVar:

NM_000038.6(APC):c.656C>A (p.Ala219Asp)

Gene: APC (APC regulator of Wnt signaling pathway; plus strand). Cytogenetic location: 5q22.2.
Variant type: single nucleotide variant.
Coding change: c.656C>A on transcript NM_000038.6 (MANE Select); coding-DNA position 656, C replaced by A.
Protein change: p.Ala219Asp; replaces alanine 219 with aspartic acid.
Molecular consequence: missense variant. On other transcripts: 5 prime UTR variant (1), intron variant (2).
Genome position (GRCh38, 1-based): chr5:112,792,456, C>A. VCF-style: chr5-112792456-C-A. GRCh37 (hg19) VCF-style: chr5-112128153-C-A.
Other names: c.581C>A, p.Ala194Asp (NM_001354898.2, NM_001354904.2); c.479C>A, p.Ala160Asp (NM_001354900.2, NM_001354901.2, NM_001354905.2); c.656C>A, p.Ala219Asp (NM_001354903.2, NM_001127510.3, NM_001354895.2 and 1 more transcripts); c.686C>A, p.Ala229Asp (NM_001354902.2, NM_001354897.2); c.-380C>A (NM_001354906.2); c.646-8823C>A (NM_001354899.2); c.676-8823C>A (NM_001127511.3); short protein forms A219D, A194D, A229D, A160D.
Identifiers: ClinVar variation 570892 (VCV000570892.15), dbSNP rs1561502152, ClinGen allele CA16022768.

ClinVar aggregate classification (germline): Uncertain significance. Review status: criteria provided, multiple submitters, no conflicts (2 of 4 stars). 5 submissions from 5 submitters: Uncertain significance (5). Last evaluated 2025-03-04.

Conditions:
Hereditary cancer-predisposing syndrome. Also called: Hereditary neoplastic syndrome; Tumor predisposition; Neoplastic Syndromes, Hereditary; Hereditary Cancer Syndrome. Identifiers: Orphanet 140162, MedGen C0027672, MeSH D009386, MONDO:0015356.
Familial adenomatous polyposis 1 (FAP1). Also called: POLYPOSIS, ADENOMATOUS INTESTINAL; FAMILIAL ADENOMATOUS POLYPOSIS 1, ATTENUATED. Identifiers: MedGen C2713442, MONDO:0021056, OMIM 175100. Disease mechanism: loss of function.
Classic or attenuated familial adenomatous polyposis. Identifiers: MedGen CN372698, MONDO:0021057.

Submissions (5):

Center for Genomic Medicine, Rigshospitalet, Copenhagen University Hospital
Classification: Uncertain significance. Last evaluated: 2025-03-04. Review status: criteria provided, single submitter. Criteria: ACMG Guidelines, 2015. Collection method: clinical testing. Allele origin: germline.

Labcorp Genetics (formerly Invitae), Labcorp
Classification: Uncertain significance for Familial adenomatous polyposis 1. Last evaluated: 2024-12-17. Review status: criteria provided, single submitter. Criteria: Invitae Variant Classification Sherloc (09022015). Collection method: clinical testing. Allele origin: germline.
Comment: This sequence change replaces alanine, which is neutral and non-polar, with aspartic acid, which is acidic and polar, at codon 219 of the APC protein (p.Ala219Asp). This variant is not present in population databases (gnomAD no frequency). This variant has not been reported in the literature in individuals affected with APC-related conditions. ClinVar contains an entry for this variant (Variation ID: 570892). Invitae Evidence Modeling of protein sequence and biophysical properties (such as structural, functional, and spatial information, amino acid conservation, physicochemical variation, residue mobility, and thermodynamic stability) indicates that this missense variant is not expected to disrupt APC protein function with a negative predictive value of 95%. In summary, the available evidence is currently insufficient to determine the role of this variant in disease. Therefore, it has been classified as a Variant of Uncertain Significance.

Ambry Genetics
Classification: Uncertain significance for Hereditary cancer-predisposing syndrome. Last evaluated: 2024-09-01. Review status: criteria provided, single submitter. Criteria: Ambry Variant Classification Scheme 2023. Collection method: clinical testing. Allele origin: germline.
Comment: The p.A219D variant (also known as c.656C>A), located in coding exon 6 of the APC gene, results from a C to A substitution at nucleotide position 656. The alanine at codon 219 is replaced by aspartic acid, an amino acid with dissimilar properties. This amino acid position is conserved. In addition, in silico predictors for this gene do not accurately predict pathogenicity. Based on the available evidence, the clinical significance of this variant remains unclear.

All of Us Research Program, National Institutes of Health
Classification: Uncertain significance for Classic or attenuated familial adenomatous polyposis. Last evaluated: 2024-07-29. Review status: criteria provided, single submitter. Criteria: ACMG Guidelines, 2015. Collection method: clinical testing. Allele origin: germline. Inheritance: Autosomal dominant inheritance. Observed: 1 variant allele, 1 heterozygote.
Comment: This missense variant replaces alanine with aspartic acid at codon 219 of the APC protein. Computational prediction suggests that this variant may not impact protein structure and function (internally defined REVEL score threshold <= 0.5, PMID: 27666373). To our knowledge, functional studies have not been reported for this variant. This variant has not been reported in individuals affected with hereditary cancer in the literature. This variant has not been identified in the general population by the Genome Aggregation Database (gnomAD). The available evidence is insufficient to determine the role of this variant in disease conclusively. Therefore, this variant is classified as a Variant of Uncertain Significance.

This study involves interpretation of variants in research participants for the purpose of population health screening. Participant phenotype was not available at the time of variant classification. Additional details can be found in publication PMID: 35346344, PMCID: PMC8962531

Color Diagnostics, LLC DBA Color Health
Classification: Uncertain significance for Hereditary cancer-predisposing syndrome. Last evaluated: 2024-03-06. Review status: criteria provided, single submitter. Criteria: ACMG Guidelines, 2015. Collection method: clinical testing. Allele origin: germline.
Comment: This missense variant replaces alanine with aspartic acid at codon 219 of the APC protein. Computational prediction suggests that this variant may not impact protein structure and function (internally defined REVEL score threshold <= 0.5, PMID: 27666373). To our knowledge, functional studies have not been reported for this variant. This variant has not been reported in individuals affected with hereditary cancer in the literature. This variant has not been identified in the general population by the Genome Aggregation Database (gnomAD). The available evidence is insufficient to determine the role of this variant in disease conclusively. Therefore, this variant is classified as a Variant of Uncertain Significance.